The following is an entry in ClinVar:

ClinVar aggregate classification (germline): Uncertain significance. Review status: criteria provided, multiple submitters, no conflicts (2 of 4 stars). 3 submissions from 3 submitters: Uncertain significance (3). Last evaluated 2026-10-14.

Conditions:
Inborn genetic diseases. Identifiers: MedGen C0950123, MeSH D030342.
Hyperphosphatasia with impaired intellectual development syndrome 2. Also called: GLYCOSYLPHOSPHATIDYLINOSITOL BIOSYNTHESIS DEFECT 6; Hyperphosphatasia with intellectual disability syndrome 2. Identifiers: Orphanet 247262, MedGen C3553637, MONDO:0013882, OMIM 614749.

Allele frequency attached by ClinVar (database versions not stated): gnomAD 0.00013; TOPMed 0.00018.
gnomAD v4.1: 192 of 1,614,088 alleles (0.012%); highest among the groups gnomAD compares: Admixed American, 0.09%; no homozygotes.

Submissions (3):

GeneDx
Classification: Uncertain significance. Last evaluated: 2026-10-14. Review status: criteria provided, single submitter. Criteria: GeneDx Variant Classification Process June 2021. Collection method: clinical testing. Allele origin: germline.
Comment: In silico analysis supports that this missense variant has a deleterious effect on protein structure/function; Reported in a cohort of patients with Sudden Unexpected Death in Epilepsy (SUDEP); however, further clinical and segregation detail were limited (PMID: 38756210); This variant is associated with the following publications: (PMID: 38756210)

Ambry Genetics
Classification: Uncertain significance for Inborn genetic diseases. Last evaluated: 2025-08-29. Review status: criteria provided, single submitter. Criteria: Ambry Variant Classification Scheme 2023. Collection method: clinical testing. Allele origin: germline.

Labcorp Genetics (formerly Invitae), Labcorp
Classification: Uncertain significance for Hyperphosphatasia with impaired intellectual development syndrome 2. Last evaluated: 2022-08-21. Review status: criteria provided, single submitter. Criteria: Invitae Variant Classification Sherloc (09022015). Collection method: clinical testing. Allele origin: germline.
Comment: This sequence change replaces proline, which is neutral and non-polar, with threonine, which is neutral and polar, at codon 85 of the PIGO protein (p.Pro85Thr). This variant is present in population databases (rs745754359, gnomAD 0.05%). This variant has not been reported in the literature in individuals affected with PIGO-related conditions. ClinVar contains an entry for this variant (Variation ID: 473224). Algorithms developed to predict the effect of missense changes on protein structure and function (SIFT, PolyPhen-2, Align-GVGD) all suggest that this variant is likely to be tolerated. In summary, the available evidence is currently insufficient to determine the role of this variant in disease. Therefore, it has been classified as a Variant of Uncertain Significance.

NM_032634.4(PIGO):c.253C>A (p.Pro85Thr)

Gene: PIGO (phosphatidylinositol glycan anchor biosynthesis class O; minus strand). Cytogenetic location: 9p13.3.
Variant type: single nucleotide variant.
Coding change: c.253C>A on transcript NM_032634.4 (MANE Select); coding-DNA position 253, C replaced by A.
Protein change: p.Pro85Thr; replaces proline 85 with threonine.
Molecular consequence: missense variant.
Genome position (GRCh38, 1-based): chr9:35,095,313, G>T on the plus strand (C>A on the coding strand, the complement: PIGO is on the minus strand). VCF-style: chr9-35095313-G-T. GRCh37 (hg19) VCF-style: chr9-35095310-G-T.
Other names: c.253C>A, p.Pro85Thr (NM_001201484.2, NM_152850.4); short protein forms P85T.
Identifiers: ClinVar variation 473224 (VCV000473224.13), dbSNP rs745754359, ClinGen allele CA5040985.